The following is an entry in ClinVar:

NM_004329.3(BMPR1A):c.231-9C>T

Gene: BMPR1A (bone morphogenetic protein receptor type 1A; plus strand). Cytogenetic location: 10q23.2.
Variant type: single nucleotide variant.
Coding change: c.231-9C>T on transcript NM_004329.3 (MANE Select); 9 bases into the intron before coding-DNA position 231, C replaced by T.
Molecular consequence: intron variant.
Genome position (GRCh38, 1-based): chr10:86,892,118, C>T. VCF-style: chr10-86892118-C-T. GRCh37 (hg19) VCF-style: chr10-88651875-C-T.
Identifiers: ClinVar variation 383568 (VCV000383568.22), dbSNP rs763313220, ClinGen allele CA5585461.

ClinVar aggregate classification (germline): Conflicting classifications of pathogenicity. Review status: criteria provided, conflicting classifications (1 of 4 stars). 7 submissions from 7 submitters: Uncertain significance (1); Likely benign (6). Last evaluated 2026-01-02.

Conditions:
Juvenile polyposis syndrome (JPS). Identifiers: Orphanet 2929, MedGen C0345893, MONDO:0017380, OMIM 174900.
Hereditary cancer-predisposing syndrome. Also called: Hereditary neoplastic syndrome; Tumor predisposition; Neoplastic Syndromes, Hereditary; Hereditary Cancer Syndrome. Identifiers: Orphanet 140162, MedGen C0027672, MeSH D009386, MONDO:0015356.

Allele frequency attached by ClinVar (database versions not stated): TOPMed 0.00001.
gnomAD v4.1: 5 of 1,605,124 alleles (0.00031%); highest among the groups gnomAD compares: Non-Finnish European, 0.00043%; no homozygotes.

Submissions (7):

Women's Health and Genetics/Laboratory Corporation of America, LabCorp
Classification: Likely benign. Last evaluated: 2026-01-02. Review status: criteria provided, single submitter. Criteria: LabCorp Variant Classification Summary - May 2015. Collection method: clinical testing. Allele origin: germline.
Comment: Variant summary: BMPR1A c.231-9C>T alters a nucleotide located at a position not widely known to affect splicing. Consensus agreement among computation tools predict no significant impact on normal splicing. However, these predictions have yet to be confirmed by functional studies. The variant allele was found at a frequency of 1.2e-05 in 250350 control chromosomes. The available data on variant occurrences in the general population are insufficient to allow any conclusion about variant significance. c.231-9C>T has been observed in an individual affected with Breast Cancer (Tung_2014). These report(s) do not provide unequivocal conclusions about association of the variant with Juvenile Polyposis Syndrome. To our knowledge, no experimental evidence demonstrating an impact on protein function has been reported. The following publication have been ascertained in the context of this evaluation (PMID: 25186627). ClinVar contains an entry for this variant (Variation ID: 383568). Based on the evidence outlined above, the variant was classified as likely benign.

Labcorp Genetics (formerly Invitae), Labcorp
Classification: Likely benign for Juvenile polyposis syndrome. Last evaluated: 2025-12-13. Review status: criteria provided, single submitter. Criteria: Invitae Variant Classification Sherloc (09022015). Collection method: clinical testing. Allele origin: germline.

Myriad Genetics, Inc.
Classification: Likely benign for Juvenile polyposis syndrome. Last evaluated: 2024-07-31. Review status: criteria provided, single submitter. Criteria: Myriad Autosomal Dominant, Autosomal Recessive and X-Linked Classification Criteria (2023). Collection method: clinical testing. Allele origin: unknown.
Comment: This variant is considered likely benign. This variant is intronic and is not expected to impact mRNA splicing.

Sema4
Classification: Uncertain significance for Hereditary cancer-predisposing syndrome. Last evaluated: 2021-12-02. Review status: criteria provided, single submitter. Criteria: Sema4 Curation Guidelines. Collection method: curation. Allele origin: germline.
Comment: The BMPR1A c.231-9C>T variant has been reported in 1 individual with breast cancer (PMID: 25186627). This variant was observed in 1/10060 chromosomes in the Ashkenazi Jewish population according to the Genome Aggregation Database (PMID: 32461654). This variant has been reported in ClinVar (Variation ID 383568). In silico tools that predict the effect of sequence changes on splicing suggest that this variant may not impact splicing, though these predictions have not been confirmed by functional studies. The overall evidence is insufficient to meet ACMG/AMP criteria for classifying it as benign or pathogenic. In summary, the clinical significance of this variant is currently uncertain.

Quest Diagnostics Nichols Institute San Juan Capistrano
Classification: Likely benign. Last evaluated: 2019-10-22. Review status: criteria provided, single submitter. Criteria: Quest Diagnostics criteria. Collection method: clinical testing. Allele origin: unknown.

GeneDx
Classification: Likely benign. Last evaluated: 2019-09-25. Review status: criteria provided, single submitter. Criteria: GeneDx Variant Classification Process June 2021. Collection method: clinical testing. Allele origin: germline. Affected: yes.

Color Diagnostics, LLC DBA Color Health
Classification: Likely benign for Hereditary cancer-predisposing syndrome. Last evaluated: 2017-08-02. Review status: criteria provided, single submitter. Criteria: ACMG Guidelines, 2015. Collection method: clinical testing. Allele origin: germline.

Literature cited by the submitters: PubMed 25186627 (cited by 3 submitters).